The following is an entry in ClinVar:

NM_001042492.3(NF1):c.3587T>G (p.Leu1196Arg)

Gene: NF1 (neurofibromin 1; plus strand). Cytogenetic location: 17q11.2.
Variant type: single nucleotide variant.
Coding change: c.3587T>G on transcript NM_001042492.3 (MANE Select); coding-DNA position 3587, T replaced by G.
Protein change: p.Leu1196Arg; replaces leucine 1196 with arginine.
Molecular consequence: missense variant.
Genome position (GRCh38, 1-based): chr17:31,233,092, T>G. VCF-style: chr17-31233092-T-G. GRCh37 (hg19) VCF-style: chr17-29560110-T-G.
Other names: c.3587T>G, p.Leu1196Arg (NM_000267.4); short protein forms L1196R.
Identifiers: ClinVar variation 68336 (VCV000068336.12), dbSNP rs199474741, ClinGen allele CA219526.

ClinVar aggregate classification (germline): Pathogenic/Likely pathogenic. Review status: criteria provided, multiple submitters, no conflicts (2 of 4 stars). 5 submissions from 5 submitters: Pathogenic (2); Likely pathogenic (2). 1 of the submissions does not count toward it. Last evaluated 2026-07-13.

Conditions:
NF1-related disorder. Also called: NF1-related condition. Identifiers: MedGen CN379171.
Cardiovascular phenotype. Identifiers: MedGen CN230736.
Hereditary cancer-predisposing syndrome. Also called: Neoplastic Syndromes, Hereditary; Hereditary neoplastic syndrome; Hereditary Cancer Syndrome; Tumor predisposition. Identifiers: Orphanet 140162, MedGen C0027672, MeSH D009386, MONDO:0015356.
Neurofibromatosis, type 1 (NF1). Also called: Neurofibromatosis, type I; VON RECKLINGHAUSEN DISEASE; NEUROFIBROMATOSIS, TYPE I, SOMATIC; Peripheral type neurofibromatosis. Identifiers: Orphanet 636, MedGen C0027831, MONDO:0018975, OMIM 162200. Disease mechanism: loss of function.

Submissions (5):

Ambry Genetics
Classification: Pathogenic for Cardiovascular phenotype; Hereditary cancer-predisposing syndrome. Last evaluated: 2026-07-13. Review status: criteria provided, single submitter. Criteria: Ambry Variant Classification Scheme 2023. Collection method: clinical testing. Allele origin: germline.
Comment: The p.L1196R pathogenic mutation (also known as c.3587T>G), located in coding exon 27 of the NF1 gene, results from a T to G substitution at nucleotide position 3587. The leucine at codon 1196 is replaced by arginine, an amino acid with dissimilar properties. This variant was reported in individual(s) with features consistent with neurofibromatosis type 1 (NF1); in at least one individual, it was determined to be de novo (Mattocks C et al. J. Med. Genet., 2004 Apr;41:e48; H&uuml;ffmeier U et al. Am. J. Med. Genet. A, 2006 Dec;140:2749-56; Garcia B et al. J Med Genet, 2022 Oct;59:1017-1023; Ambry internal data). Other variant(s) at the same codon, p.L1196F (c.3586C>T), have been identified in individual(s) with features consistent with NF1 (Ben-Shachar S et al. Eur. J. Hum. Genet., 2013 May;21:535-9; Cal&igrave; F et al. Eur J Med Genet, 2017 Feb;60:93-99; Kang E et al. J Hum Genet, 2020 Jan;65:79-89; Ambry internal data). This variant is considered to be rare based on population cohorts in the Genome Aggregation Database (gnomAD). This amino acid position is highly conserved in available vertebrate species. In addition, this alteration is predicted to be deleterious by in silico analysis. Based on the supporting evidence, this variant is interpreted as a disease-causing mutation.

GeneDx
Classification: Likely pathogenic. Last evaluated: 2024-09-22. Review status: criteria provided, single submitter. Criteria: GeneDx Variant Classification Process June 2021. Collection method: clinical testing. Allele origin: germline. Affected: yes.
Comment: Not observed at significant frequency in large population cohorts (gnomAD); In silico analysis supports that this missense variant has a deleterious effect on protein structure/function; Published functional studies demonstrate no reduced RAS GAP activity or NF-SPRED1 co-immunoprecipitation (Douben H et al. 2023. Hindawi Human Mutation.); This variant is associated with the following publications: (PMID: 24803665, 22664660, 23047742, 27838393, 26740943, 19845691, 15060124, 17103458, 25486365, 2121369, 22807134, 35121649, Douben2023[Functional study])

Labcorp Genetics (formerly Invitae), Labcorp
Classification: Pathogenic for Neurofibromatosis, type 1. Last evaluated: 2023-06-06. Review status: criteria provided, single submitter. Criteria: Invitae Variant Classification Sherloc (09022015). Collection method: clinical testing. Allele origin: germline.
Comment: This variant disrupts the p.Leu1196 amino acid residue in NF1. Other variant(s) that disrupt this residue have been determined to be pathogenic (PMID: 15060124, 17103458, 22664660, 23047742, 27838393). This suggests that this residue is clinically significant, and that variants that disrupt this residue are likely to be disease-causing. Advanced modeling of protein sequence and biophysical properties (such as structural, functional, and spatial information, amino acid conservation, physicochemical variation, residue mobility, and thermodynamic stability) performed at Invitae indicates that this missense variant is expected to disrupt NF1 protein function. ClinVar contains an entry for this variant (Variation ID: 68336). This missense change has been observed in individual(s) with clinical features of neurofibromatosis and/or NF1-Noonan syndrome (PMID: 17103458; Invitae). In at least one individual the variant was observed to be de novo. This variant is not present in population databases (gnomAD no frequency). This sequence change replaces leucine, which is neutral and non-polar, with arginine, which is basic and polar, at codon 1196 of the NF1 protein (p.Leu1196Arg). For these reasons, this variant has been classified as Pathogenic.

PreventionGenetics, part of Exact Sciences
Classification: Likely pathogenic for NF1-related condition. Last evaluated: 2023-03-01. Review status: criteria provided, single submitter. Criteria: ACMG Guidelines, 2015. Collection method: clinical testing. Allele origin: germline.
Comment: The NF1 c.3587T>G variant is predicted to result in the amino acid substitution p.Leu1196Arg. This variant was reported in an individual with neurofibromatosis type 1 (Mattocks et al. 2004. PubMed ID: 15060124). Additionally, different missense variants affecting this amino acid (p.Leu1196Val, p.Leu1196Phe) have been reported in individuals with neurofibromatosis type 1 (Table S2 - Bianchessi et al. 2015. PubMed ID: 26740943; Table S3 - Kang et al. 2020. PubMed ID: 31776437). This variant has not been reported in a large population database, indicating this variant is rare. This variant is interpreted as likely pathogenic.

UniProtKB/Swiss-Prot
No classification provided. Review status: no classification provided. Collection method: not provided. Allele origin: not provided. Not counted in ClinVar's aggregate classification.

Literature cited by the submitters: PubMed 15060124 (cited by Ambry Genetics and Labcorp Genetics (formerly Invitae), Labcorp); PubMed 17103458 (cited by Ambry Genetics and Labcorp Genetics (formerly Invitae), Labcorp); PubMed 22664660 (cited by Ambry Genetics and Labcorp Genetics (formerly Invitae), Labcorp); PubMed 23047742 (cited by Ambry Genetics and Labcorp Genetics (formerly Invitae), Labcorp); PubMed 26740943 (cited by Ambry Genetics); PubMed 27838393 (cited by Ambry Genetics and Labcorp Genetics (formerly Invitae), Labcorp); PubMed 35121649 (cited by Ambry Genetics).